The following is an entry in ClinVar:

ClinVar aggregate classification (germline): Uncertain significance. Review status: criteria provided, multiple submitters, no conflicts (2 of 4 stars). 2 submissions from 2 submitters: Uncertain significance (2). Last evaluated 2026-01-28.

Conditions:
Inborn genetic diseases. Identifiers: MedGen C0950123, MeSH D030342.

gnomAD v4.1: 42 of 1,209,311 alleles (0.0035%); highest among the groups gnomAD compares: Non-Finnish European, 0.0044%; no homozygotes.

Submissions (2):

Labcorp Genetics (formerly Invitae), Labcorp
Classification: Uncertain significance. Last evaluated: 2026-01-28. Review status: criteria provided, single submitter. Criteria: Invitae Variant Classification Sherloc (09022015). Collection method: clinical testing. Allele origin: germline.
Comment: This sequence change replaces alanine, which is neutral and non-polar, with proline, which is neutral and non-polar, at codon 453 of the NONO protein (p.Ala453Pro). This variant is present in population databases (rs759249289, gnomAD 0.004%), including at least one homozygous and/or hemizygous individual. This variant has not been reported in the literature in individuals affected with NONO-related conditions. ClinVar contains an entry for this variant (Variation ID: 3406669). An algorithm developed to predict the effect of missense changes on protein structure and function (PolyPhen-2) suggests that this variant is likely to be tolerated. In summary, the available evidence is currently insufficient to determine the role of this variant in disease. Therefore, it has been classified as a Variant of Uncertain Significance.

Ambry Genetics
Classification: Uncertain significance for Inborn genetic diseases. Last evaluated: 2024-12-02. Review status: criteria provided, single submitter. Criteria: Ambry Variant Classification Scheme 2023. Collection method: clinical testing. Allele origin: germline.

NM_007363.5(NONO):c.1357G>C (p.Ala453Pro)

Gene: NONO (non-POU domain containing octamer binding; plus strand). Cytogenetic location: Xq13.1.
Variant type: single nucleotide variant.
Coding change: c.1357G>C on transcript NM_007363.5 (MANE Select); coding-DNA position 1357, G replaced by C.
Protein change: p.Ala453Pro; replaces alanine 453 with proline.
Molecular consequence: missense variant.
Genome position (GRCh38, 1-based): chrX:71,300,017, G>C. VCF-style: chrX-71300017-G-C. GRCh37 (hg19) VCF-style: chrX-70519867-G-C.
Other names: c.1357G>C, p.Ala453Pro (NM_001145408.2, NM_001145409.2); c.1090G>C, p.Ala364Pro (NM_001145410.2); short protein forms A453P, A364P.
Identifiers: ClinVar variation 3406669 (VCV003406669.2).